The following is an entry in ClinVar:

NM_001367624.2(ZNF469):c.11790C>A (p.Asp3930Glu)

Gene: ZNF469 (zinc finger protein 469; plus strand). Cytogenetic location: 16q24.2.
Variant type: single nucleotide variant.
Coding change: c.11790C>A on transcript NM_001367624.2 (MANE Select); coding-DNA position 11790, C replaced by A.
Protein change: p.Asp3930Glu; replaces aspartic acid 3930 with glutamic acid.
Molecular consequence: missense variant.
Genome position (GRCh38, 1-based): chr16:88,439,260, C>A. VCF-style: chr16-88439260-C-A. GRCh37 (hg19) VCF-style: chr16-88505668-C-A.
Other names: NM_001127464.1:c.11706C>A; short protein forms D3930E.
Identifiers: ClinVar variation 3258274 (VCV003258274.2).

ClinVar aggregate classification (germline): Uncertain significance. Review status: criteria provided, multiple submitters, no conflicts (2 of 4 stars). 2 submissions from 2 submitters: Uncertain significance (2). Last evaluated 2025-09-22.

Conditions:
Cardiovascular phenotype. Identifiers: MedGen CN230736.

Submissions (2):

Labcorp Genetics (formerly Invitae), Labcorp
Classification: Uncertain significance. Last evaluated: 2025-09-22. Review status: criteria provided, single submitter. Criteria: Invitae Variant Classification Sherloc (09022015). Collection method: clinical testing. Allele origin: germline.
Comment: This sequence change replaces aspartic acid, which is acidic and polar, with glutamic acid, which is acidic and polar, at codon 3902 of the ZNF469 protein (p.Asp3902Glu). This variant is not present in population databases (gnomAD no frequency). This variant has not been reported in the literature in individuals affected with ZNF469-related conditions. ClinVar contains an entry for this variant (Variation ID: 3258274). An algorithm developed to predict the effect of missense changes on protein structure and function (PolyPhen-2) suggests that this variant is likely to be disruptive. In summary, the available evidence is currently insufficient to determine the role of this variant in disease. Therefore, it has been classified as a Variant of Uncertain Significance.

Ambry Genetics
Classification: Uncertain significance for Cardiovascular phenotype. Last evaluated: 2024-05-30. Review status: criteria provided, single submitter. Criteria: Ambry Variant Classification Scheme 2023. Collection method: clinical testing. Allele origin: germline.
Comment: The p.D3902E variant (also known as c.11706C>A), located in coding exon 2 of the ZNF469 gene, results from a C to A substitution at nucleotide position 11706. The aspartic acid at codon 3902 is replaced by glutamic acid, an amino acid with highly similar properties. This amino acid position is conserved. In addition, this alteration is predicted to be tolerated by in silico analysis. Based on the available evidence, the clinical significance of this variant remains unclear.